The following is an entry in ClinVar:

NM_000426.4(LAMA2):c.8096del (p.Pro2699fs)

Gene: LAMA2 (laminin subunit alpha 2; plus strand). Cytogenetic location: 6q22.33.
Variant type: Deletion.
Coding change: c.8096del on transcript NM_000426.4 (MANE Select); coding-DNA position 8096, one base deleted (C; older notation c.8096delC).
Protein change: p.Pro2699fs; shifts the reading frame from proline 2699.
Molecular consequence: frameshift variant.
Genome position (GRCh38, 1-based): chr6:129,492,335, C deleted; the last of 2 consecutive C bases (chr6:129,492,334-129,492,335); deleting either gives the same sequence. VCF-style (leftmost placement, unchanged base first): chr6-129492333-GC-G. GRCh37 (hg19) VCF-style: chr6-129813478-GC-G.
Other names: c.8084del, p.Pro2695fs (NM_001079823.2); short protein forms P2695fs, P2699fs.
Identifiers: ClinVar variation 959489 (VCV000959489.10), dbSNP rs1784912657, ClinGen allele CA1139659325.

ClinVar aggregate classification (germline): Pathogenic/Likely pathogenic. Review status: criteria provided, multiple submitters, no conflicts (2 of 4 stars). 3 submissions from 3 submitters: Pathogenic (1); Likely pathogenic (2). Last evaluated 2025-10-02.

Conditions:
LAMA2-related muscular dystrophy (LAMA2-RD). Also called: Laminin alpha 2-related dystrophy. Identifiers: MedGen C5679788, MONDO:0100228.
Merosin deficient congenital muscular dystrophy (MDC1A). Also called: Congenital merosin-deficient muscular dystrophy 1A; Congenital Muscular Dystrophy Type 1A (MDC1A). Identifiers: Orphanet 258, MedGen C1263858, MONDO:0011925, OMIM 607855.
LAMA2-related disorder. Also called: LAMA2-related disorders; LAMA2-related condition.

Submissions (3):

Labcorp Genetics (formerly Invitae), Labcorp
Classification: Pathogenic for LAMA2-related muscular dystrophy. Last evaluated: 2025-10-02. Review status: criteria provided, single submitter. Criteria: Invitae Variant Classification Sherloc (09022015). Collection method: clinical testing. Allele origin: germline.
Comment: This sequence change creates a premature translational stop signal (p.Pro2699Leufs*29) in the LAMA2 gene. It is expected to result in an absent or disrupted protein product. Loss-of-function variants in LAMA2 are known to be pathogenic (PMID: 18700894, 32904964). This variant is not present in population databases (gnomAD no frequency). This variant has not been reported in the literature in individuals affected with LAMA2-related conditions. ClinVar contains an entry for this variant (Variation ID: 959489). For these reasons, this variant has been classified as Pathogenic.

Baylor Genetics
Classification: Likely pathogenic for Merosin deficient congenital muscular dystrophy. Last evaluated: 2023-01-06. Review status: criteria provided, single submitter. Criteria: ACMG Guidelines, 2015. Collection method: clinical testing. Allele origin: unknown.

Blueprint Genetics
Classification: Likely pathogenic for LAMA2-related disorders. Last evaluated: 2022-12-28. Review status: criteria provided, single submitter. Criteria: ACMG Guidelines, 2015. Collection method: clinical testing. Allele origin: germline. Affected: yes. Observed: 2 variant alleles.

Literature cited by the submitters: PubMed 18700894 (cited by Labcorp Genetics (formerly Invitae), Labcorp); PubMed 32904964 (cited by Labcorp Genetics (formerly Invitae), Labcorp).